The following is an entry in ClinVar:

ClinVar aggregate classification (germline): Uncertain significance (1 of 4 stars; one submission).

Conditions:
VPS13A-related neurodegenerative disease. Also called: LEVINE-CRITCHLEY SYNDROME; Choreoacanthocytosis; Chorea-acanthocytosis; Choreaacanthocytosis; VPS13A Disease; ACANTHOCYTOSIS WITH NEUROLOGIC DISORDER. Identifiers: Orphanet 2388, MedGen C0393576, MONDO:0008695, OMIM 200150.

Submission:

University of Washington Department of Laboratory Medicine, University of Washington
Classification: Uncertain significance for VPS13A-related neurodegenerative disease. Last evaluated: 2023-01-17. Review status: criteria provided, single submitter. Criteria: ACMG Guidelines, 2015. Collection method: clinical testing. Allele origin: unknown. Affected: yes.
Comment: The c.386-24A>G variant in the VPS13A gene has not been previously reported in association with disease and was absent from large population databases, including the Genome Aggregation Database. The c.386-24A>G variant in intron 5 is predicted by in silico tools to alter splicing by creating an alternate splice acceptor site. These predictions have not been tested directly. Using ACMG guidelines, this variant was classified as a variant of uncertain significance (ACMG evidence codes used: PM2_supporting, PP3).

NM_033305.3(VPS13A):c.386-24A>G

Gene: VPS13A (vacuolar protein sorting 13 homolog A; plus strand). Cytogenetic location: 9q21.2.
Variant type: single nucleotide variant.
Coding change: c.386-24A>G on transcript NM_033305.3 (MANE Select); 24 bases into the intron before coding-DNA position 386, A replaced by G.
Molecular consequence: intron variant.
Genome position (GRCh38, 1-based): chr9:77,209,399, A>G. VCF-style: chr9-77209399-A-G. GRCh37 (hg19) VCF-style: chr9-79824315-A-G.
Other names: c.386-24A>G (NM_033305.2, NM_001018037.2, NM_015186.4 and 1 more transcripts).
Identifiers: ClinVar variation 3777121 (VCV003777121.1).